The following is an entry in ClinVar:

ClinVar aggregate classification (germline): Likely benign (0 of 4 stars; one submission).

Conditions:
PIP5K1C-related disorder. Also called: PIP5K1C-related condition.

Allele frequency attached by ClinVar (database versions not stated): gnomAD 0.00007; TOPMed 0.00008.
gnomAD v4.1: 44 of 767,132 alleles (0.0057%); highest among the groups gnomAD compares: South Asian, 0.033%; no homozygotes.

Submission:

PreventionGenetics, part of Exact Sciences
Classification: Likely benign for PIP5K1C-related condition. Last evaluated: 2019-08-28. Review status: no assertion criteria provided. Collection method: clinical testing. Allele origin: germline.
Comment: This variant is classified as likely benign based on ACMG/AMP sequence variant interpretation guidelines (Richards et al. 2015 PMID: 25741868, with internal and published modifications).

NM_012398.3(PIP5K1C):c.*6A>G

Gene: PIP5K1C (phosphatidylinositol-4-phosphate 5-kinase type 1 gamma; minus strand). Cytogenetic location: 19p13.3.
Variant type: single nucleotide variant.
Coding change: c.*6A>G on transcript NM_012398.3 (MANE Select); 6 bases downstream of the stop codon, A replaced by G.
Molecular consequence: 3 prime UTR variant.
Genome position (GRCh38, 1-based): chr19:3,633,161, T>C on the plus strand (A>G on the coding strand, the complement: PIP5K1C is on the minus strand). VCF-style: chr19-3633161-T-C. GRCh37 (hg19) VCF-style: chr19-3633159-T-C.
Other names: c.*6A>G (NM_001195733.2).
Identifiers: ClinVar variation 3052505 (VCV003052505.2), dbSNP rs377327828, ClinGen allele CA9081845.